The following is an entry in ClinVar:

NM_015599.3(PGM3):c.1330_1333dup (p.Thr445fs)

Gene: PGM3 (phosphoglucomutase 3; minus strand). Cytogenetic location: 6q14.1.
Variant type: Microsatellite.
Coding change: c.1330_1333dup on transcript NM_015599.3 (MANE Select); coding-DNA positions 1330 to 1333, 4 bases duplicated (TATA; older notation c.1330_1333dupTATA).
Protein change: p.Thr445fs; shifts the reading frame from threonine 445.
Molecular consequence: frameshift variant. On other transcripts: non-coding transcript variant (1), intron variant (1).
Genome position (GRCh38, 1-based): chr6:83,171,969-83,171,972, TATA duplicated on the plus strand (TATA on the coding strand, the reverse complement: PGM3 is on the minus strand). VCF-style (leftmost placement, unchanged base first): chr6-83171968-G-GTATA. GRCh37 (hg19) VCF-style: chr6-83881687-G-GTATA.
Other names: c.1414_1417dup, p.Thr473fs (NM_001199917.2, NM_001367287.1); c.1087_1090dup, p.Thr364fs (NM_001199918.2); c.1330_1333dup, p.Thr445fs (NM_001199919.2); c.1243-1494TA[4] (NM_001367286.1); c.1414_1417dup (NM_001199917.1); short protein forms T473fs, T364fs, T445fs.
Identifiers: ClinVar variation 1412911 (VCV001412911.7), dbSNP rs777118863, ClinGen allele CA2499307003.

ClinVar aggregate classification (germline): Pathogenic (1 of 4 stars; one submission).

Conditions:
Immunodeficiency 23 (IMD23). Also called: IMMUNODEFICIENCY WITH HYPER IgE AND COGNITIVE IMPAIRMENT; IMMUNODEFICIENCY-VASCULITIS-MYOCLONUS SYNDROME. Identifiers: Orphanet 443811, MedGen C4014371, MONDO:0014353, OMIM 615816.

Submission:

Labcorp Genetics (formerly Invitae), Labcorp
Classification: Pathogenic for Immunodeficiency 23. Last evaluated: 2022-02-10. Review status: criteria provided, single submitter. Criteria: Invitae Variant Classification Sherloc (09022015). Collection method: clinical testing. Allele origin: germline.
Comment: For these reasons, this variant has been classified as Pathogenic. This variant has not been reported in the literature in individuals affected with PGM3-related conditions. This variant is not present in population databases (gnomAD no frequency). This sequence change creates a premature translational stop signal (p.Thr473Ilefs*10) in the PGM3 gene. It is expected to result in an absent or disrupted protein product. Loss-of-function variants in PGM3 are known to be pathogenic (PMID: 17548465, 24589341, 24931394).

Literature cited by the submitters: PubMed 17548465 (cited by Labcorp Genetics (formerly Invitae), Labcorp); PubMed 24589341 (cited by Labcorp Genetics (formerly Invitae), Labcorp); PubMed 24931394 (cited by Labcorp Genetics (formerly Invitae), Labcorp).